The following is an entry in ClinVar:

ClinVar aggregate classification (germline): Likely pathogenic (0 of 4 stars; one submission).

Conditions:
Nephronophthisis 15 (NPHP15). Identifiers: Orphanet 3156, MedGen C3541853, MONDO:0013917, OMIM 614845.

Submission:

Fulgent Genetics
Classification: Likely pathogenic for Nephronophthisis 15. Review status: no assertion criteria provided. Collection method: clinical testing. Allele origin: unknown.
Comment: This variant has been detected in individual(s) who were sent for testing of Renasight - kidney gene panel.

GRCh37/hg19 11q23.3(chr11:117278620-117284002)

Gene: CEP164 (centrosomal protein 164; plus strand). Cytogenetic location: 11q23.3.
Variant type: copy number loss.
Identifiers: ClinVar variation 1179207 (VCV001179207.2).